The following is an entry in ClinVar:

ClinVar aggregate classification (germline): Pathogenic (1 of 4 stars; one submission).

Conditions:
Hereditary cancer-predisposing syndrome. Also called: Neoplastic Syndromes, Hereditary; Tumor predisposition; Hereditary Cancer Syndrome; Hereditary neoplastic syndrome. Identifiers: Orphanet 140162, MedGen C0027672, MeSH D009386, MONDO:0015356.

Submission:

Ambry Genetics
Classification: Pathogenic for Hereditary cancer-predisposing syndrome. Last evaluated: 2024-09-04. Review status: criteria provided, single submitter. Criteria: Ambry Variant Classification Scheme 2023. Collection method: clinical testing. Allele origin: germline.
Comment: The c.1189_1195delACAGTGC pathogenic mutation, located in coding exon 4 of the PALB2 gene, results from a deletion of 7 nucleotides at nucleotide positions 1189 to 1195, causing a translational frameshift with a predicted alternate stop codon (p.T397Lfs*25). This variant is considered to be rare based on population cohorts in the Genome Aggregation Database (gnomAD). This alteration is expected to result in loss of function by premature protein truncation or nonsense-mediated mRNA decay. As such, this alteration is interpreted as a disease-causing mutation.

NM_024675.4(PALB2):c.1189_1195del (p.Thr397fs)

Gene: PALB2 (partner and localizer of BRCA2; minus strand). Cytogenetic location: 16p12.2.
Variant type: Deletion.
Coding change: c.1189_1195del on transcript NM_024675.4 (MANE Select); coding-DNA positions 1189 to 1195, 7 bases deleted (ACAGTGC; older notation c.1189_1195delACAGTGC).
Protein change: p.Thr397fs; shifts the reading frame from threonine 397.
Molecular consequence: frameshift variant. On other transcripts: intron variant (3).
Genome position (GRCh38, 1-based): chr16:23,635,351-23,635,357, GCACTGT deleted on the plus strand (ACAGTGC on the coding strand, the reverse complement: PALB2 is on the minus strand); deleting any 7 consecutive bases within chr16:23,635,351-23,635,360 gives the same sequence; the c. name uses the placement nearest the transcript's 3' end. VCF-style (leftmost placement, unchanged base first): chr16-23635350-GGCACTGT-G. GRCh37 (hg19) VCF-style: chr16-23646671-GGCACTGT-G.
Other names: c.1189_1195del, p.Thr397fs (NM_001407302.1, NM_001407297.1, NM_001407298.1 and 3 more transcripts); c.304_310del, p.Thr102fs (NM_001407304.1, NM_001407305.1, NM_001407306.1 and 5 more transcripts); c.48+5753_48+5759del (NM_001407314.1); c.-104-4888_-104-4882del (NM_001407313.1, NM_001407312.1); c.1129_1135del, p.Thr377fs (NM_001407296.1); c.1189_1195delACAGTGC (NM_024675.3); short protein forms T102fs, T397fs, T377fs.
Identifiers: ClinVar variation 3413459 (VCV003413459.1).